The following is an entry in ClinVar:

ClinVar aggregate classification (germline): Pathogenic (1 of 4 stars; one submission).

Conditions:
Hereditary cancer-predisposing syndrome. Also called: Neoplastic Syndromes, Hereditary; Tumor predisposition; Hereditary Cancer Syndrome; Hereditary neoplastic syndrome. Identifiers: Orphanet 140162, MedGen C0027672, MeSH D009386, MONDO:0015356.

Submission:

Ambry Genetics
Classification: Pathogenic for Hereditary cancer-predisposing syndrome. Last evaluated: 2025-11-21. Review status: criteria provided, single submitter. Criteria: Ambry Variant Classification Scheme 2023. Collection method: clinical testing. Allele origin: germline.
Comment: The c.1156_1159dupGGCG pathogenic mutation, located in coding exon 7 of the MEN1 gene, results from a duplication of GGCG at nucleotide position 1156, causing a translational frameshift with a predicted alternate stop codon (p.E387Gfs*23). This variant is considered to be rare based on population cohorts in the Genome Aggregation Database (gnomAD). This alteration is expected to result in loss of function by premature protein truncation or nonsense-mediated mRNA decay. As such, this alteration is interpreted as a disease-causing mutation.

NM_001370259.2(MEN1):c.1156_1159dup (p.Glu387fs)

Gene: MEN1 (menin 1; minus strand). Cytogenetic location: 11q13.1.
Variant type: Microsatellite.
Coding change: c.1156_1159dup on transcript NM_001370259.2 (MANE Select); coding-DNA positions 1156 to 1159, 4 bases duplicated (GGCG; older notation c.1156_1159dupGGCG).
Protein change: p.Glu387fs; shifts the reading frame from glutamic acid 387.
Molecular consequence: frameshift variant. On other transcripts: non-coding transcript variant (4).
Genome position (GRCh38, 1-based): chr11:64,805,661-64,805,664, CGCC duplicated on the plus strand (GGCG on the coding strand, the reverse complement: MEN1 is on the minus strand); duplicating any 4 consecutive bases within chr11:64,805,661-64,805,668 gives the same sequence; the c. name uses the placement nearest the transcript's 3' end. VCF-style (leftmost placement, unchanged base first): chr11-64805660-T-TCGCC. GRCh37 (hg19) VCF-style: chr11-64573132-T-TCGCC.
Other names: c.1171_1174dup, p.Glu392fs (NM_000244.4, NM_001407145.1, NM_130800.3 and 4 more transcripts); c.1282_1285dup, p.Glu429fs (NM_001370251.2, NM_001407142.1, NM_001407143.1 and 1 more transcripts); c.1156_1159dup, p.Glu387fs (NM_001370260.2, NM_001370261.2, NM_001407146.1 and 3 more transcripts); c.1051_1054dup, p.Glu352fs (NM_001370262.2, NM_001370263.2, NM_001407148.1 and 1 more transcripts); c.1297_1300dup, p.Glu434fs (NM_001407150.1); c.1177_1180dup, p.Glu394fs (NM_001407151.1); c.1152_1155GGCG[3], p.Glu387Glyfs (NM_130799.2); c.1156_1159dupGGCG (NM_130799.2); short protein forms E394fs, E434fs, E352fs, E392fs, E429fs, E387fs.
Identifiers: ClinVar variation 4646503 (VCV004646503.1).